The following is an entry in ClinVar:

ClinVar aggregate classification (germline): Benign (1 of 4 stars; one submission).

Allele frequency attached by ClinVar (database versions not stated): 1000 Genomes Project 30x 0.99063; 1000 Genomes Project 0.99081; TOPMed 0.99258; gnomAD 0.99294 and 0.99331.
gnomAD v4.1: 151,257 of 152,266 alleles (99%); highest among the groups gnomAD compares: East Asian, 100%; 75,131 homozygotes.

Submission:

GeneDx
Classification: Benign. Last evaluated: 2018-06-14. Review status: criteria provided, single submitter. Criteria: GeneDx Variant Classification (06012015). Collection method: clinical testing. Allele origin: germline. Affected: yes.
Comment: This variant is considered likely benign or benign based on one or more of the following criteria: it is a conservative change, it occurs at a poorly conserved position in the protein, it is predicted to be benign by multiple in silico algorithms, and/or has population frequency not consistent with disease.

NM_000256.3(MYBPC3):c.772+255T>C

Gene: MYBPC3 (myosin binding protein C3; minus strand). Cytogenetic location: 11p11.2.
Variant type: single nucleotide variant.
Coding change: c.772+255T>C on transcript NM_000256.3 (MANE Select); 255 bases into the intron after coding-DNA position 772, T replaced by C.
Molecular consequence: intron variant.
Genome position (GRCh38, 1-based): chr11:47,348,169, A>G on the plus strand (T>C on the coding strand, the complement: MYBPC3 is on the minus strand). VCF-style: chr11-47348169-A-G. GRCh37 (hg19) VCF-style: chr11-47369720-A-G.
Identifiers: ClinVar variation 680645 (VCV000680645.1), dbSNP rs2596403, ClinGen allele CA221702986.